The following is an entry in ClinVar:

NM_182961.4(SYNE1):c.581+198del

Gene: SYNE1 (spectrin repeat containing nuclear envelope protein 1; minus strand). Cytogenetic location: 6q25.2.
Variant type: Deletion.
Coding change: c.581+198del on transcript NM_182961.4 (MANE Select); 198 bases into the intron after coding-DNA position 581, one base deleted (A; older notation c.581+198delA).
Molecular consequence: intron variant.
Genome position (GRCh38, 1-based): chr6:152,509,995, T deleted on the plus strand (A on the coding strand, the reverse complement: SYNE1 is on the minus strand); the first of 6 consecutive T bases (chr6:152,509,995-152,510,000); deleting any one gives the same sequence. VCF-style (leftmost placement, unchanged base first): chr6-152509994-AT-A. GRCh37 (hg19) VCF-style: chr6-152831129-AT-A.
Other names: c.602+198del (NM_033071.5).
Identifiers: ClinVar variation 674915 (VCV000674915.1), dbSNP rs139311743, ClinGen allele CA150242702.

ClinVar aggregate classification (germline): Likely benign (1 of 4 stars; one submission).

Submission:

GeneDx
Classification: Likely benign. Last evaluated: 2018-06-19. Review status: criteria provided, single submitter. Criteria: GeneDx Variant Classification (06012015). Collection method: clinical testing. Allele origin: germline. Affected: yes.
Comment: This variant is considered likely benign or benign based on one or more of the following criteria: it is a conservative change, it occurs at a poorly conserved position in the protein, it is predicted to be benign by multiple in silico algorithms, and/or has population frequency not consistent with disease.